The following is an entry in ClinVar:

NM_002609.4(PDGFRB):c.911A>G (p.Lys304Arg)

Gene: PDGFRB (platelet derived growth factor receptor beta; minus strand). Cytogenetic location: 5q32.
Variant type: single nucleotide variant.
Coding change: c.911A>G on transcript NM_002609.4 (MANE Select); coding-DNA position 911, A replaced by G.
Protein change: p.Lys304Arg; replaces lysine 304 with arginine.
Molecular consequence: missense variant.
Genome position (GRCh38, 1-based): chr5:150,133,609, T>C on the plus strand (A>G on the coding strand, the complement: PDGFRB is on the minus strand). VCF-style: chr5-150133609-T-C. GRCh37 (hg19) VCF-style: chr5-149513172-T-C.
Other names: c.719A>G, p.Lys240Arg (NM_001355016.2); c.428A>G, p.Lys143Arg (NM_001355017.2); short protein forms K143R, K240R, K304R.
Identifiers: ClinVar variation 5039524 (VCV005039524.1).

ClinVar aggregate classification (germline): Likely benign (1 of 4 stars; one submission).

gnomAD v4.1: 39 of 1,613,854 alleles (0.0024%); highest among the groups gnomAD compares: Non-Finnish European, 0.0028%; no homozygotes.

Submission:

CeGaT Center for Human Genetics Tuebingen
Classification: Likely benign. Last evaluated: 2026-07-01. Review status: criteria provided, single submitter. Criteria: CeGaT Center For Human Genetics Tuebingen Variant Classification Criteria Version 2. Collection method: clinical testing. Allele origin: germline. Affected: yes. Observed: 1 variant allele.
Comment: PDGFRB: BP4